The following is an entry in ClinVar:

ClinVar aggregate classification (germline): Uncertain significance (1 of 4 stars; one submission).

Conditions:
Myopathy, centronuclear, 2 (CNM2). Also called: MYOTUBULAR MYOPATHY, AUTOSOMAL RECESSIVE. Identifiers: Orphanet 169186, MedGen CN031787, MONDO:0009709, OMIM 255200.

Submission:

Labcorp Genetics (formerly Invitae), Labcorp
Classification: Uncertain significance for Myopathy, centronuclear, 2. Last evaluated: 2025-10-26. Review status: criteria provided, single submitter. Criteria: Invitae Variant Classification Sherloc (09022015). Collection method: clinical testing. Allele origin: germline.
Comment: This sequence change creates a premature translational stop signal (p.Asp545Glufs*5) in the BIN1 gene. While this is not anticipated to result in nonsense mediated decay, it is expected to disrupt the last 49 amino acid(s) of the BIN1 protein. This variant is not present in population databases (gnomAD no frequency). This variant has not been reported in the literature in individuals affected with BIN1-related conditions. Algorithms developed to predict the effect of sequence changes on RNA splicing suggest that this variant may disrupt the consensus splice site. In summary, the available evidence is currently insufficient to determine the role of this variant in disease. Therefore, it has been classified as a Variant of Uncertain Significance.

NM_139343.3(BIN1):c.1635del (p.Asp545fs)

Gene: BIN1 (bridging integrator 1; minus strand). Cytogenetic location: 2q14.3.
Variant type: Deletion.
Coding change: c.1635del on transcript NM_139343.3 (MANE Select); coding-DNA position 1635, one base deleted (T; older notation c.1635delT).
Protein change: p.Asp545fs; shifts the reading frame from aspartic acid 545.
Molecular consequence: frameshift variant.
Genome position (GRCh38, 1-based): chr2:127,050,460, A deleted on the plus strand (T on the coding strand, the reverse complement: BIN1 is on the minus strand). VCF-style (leftmost placement, unchanged base first): chr2-127050459-CA-C. GRCh37 (hg19) VCF-style: chr2-127808035-CA-C.
Other names: c.1128del, p.Asp376fs (NM_001320632.2); c.1266del, p.Asp422fs (NM_001320633.2); c.1011del, p.Asp337fs (NM_001320634.1); c.1395del, p.Asp465fs (NM_001320640.2); c.1542del, p.Asp514fs (NM_001320641.2); c.1554del, p.Asp518fs (NM_001320642.1); c.1083del, p.Asp361fs (NM_139351.3); c.1218del, p.Asp406fs (NM_004305.4); and 7 more; short protein forms D337fs, D376fs, D427fs, D465fs, D502fs, D406fs, D422fs, D514fs.
Identifiers: ClinVar variation 4729878 (VCV004729878.1).